The following is an entry in ClinVar:

ClinVar aggregate classification (germline): Uncertain significance. Review status: criteria provided, multiple submitters, no conflicts (2 of 4 stars). 6 submissions from 6 submitters: Uncertain significance (6). Last evaluated 2026-08-06.

Conditions:
Ventricular arrhythmias due to cardiac ryanodine receptor calcium release deficiency syndrome. Also called: Autosomal dominant cardiac arrhythmia (Kuhn). Identifiers: MedGen C5542154, MONDO:0020745, OMIM 115000.
Arrhythmogenic right ventricular dysplasia 2. Identifiers: MedGen C1832931.
Catecholaminergic polymorphic ventricular tachycardia 1. Also called: RYR2-Related Catecholaminergic Polymorphic Ventricular Tachycardia; VENTRICULAR TACHYCARDIA, CATECHOLAMINERGIC POLYMORPHIC, 1, WITH OR WITHOUT ATRIAL DYSFUNCTION AND/OR DILATED CARDIOMYOPATHY; VENTRICULAR TACHYCARDIA, STRESS-INDUCED POLYMORPHIC 1. Identifiers: Orphanet 3286, MedGen C1631597, MONDO:0011484, OMIM 604772.
Cardiomyopathy (CMYO). Also called: Cardiomyopathies. Identifiers: Orphanet 167848, MedGen C0878544, MONDO:0004994, HP:0001638. Inheritance: Various modes of inheritance.
Catecholaminergic polymorphic ventricular tachycardia (CVPT). Also called: Catecholamine-induced polymorphic ventricular tachycardia. Identifiers: Orphanet 3286, MedGen C5574922, MONDO:0017990.

Allele frequency attached by ClinVar (database versions not stated): gnomAD exomes below 0.00001; gnomAD 0.00001.
gnomAD v4.1: 7 of 1,612,398 alleles (0.00043%); highest among the groups gnomAD compares: African/African-American, 0.0013%; no homozygotes.

Submissions (6):

OLLIN Analises Genomicas, OLLIN
Classification: Uncertain significance for Catecholaminergic polymorphic ventricular tachycardia 1. Last evaluated: 2026-08-06. Review status: criteria provided, single submitter. Criteria: ACMG Guidelines 2015 PMID 25741868. Collection method: clinical testing. Allele origin: germline. Inheritance: Autosomal dominant inheritance.
Comment: This missense variant, located in exon 12 (of 105), has been reported in ClinVar (accession VCV001043236.14) and in gnomAD with an allele frequency of 0.00043%. However, to our knowledge, it has not been reported in the scientific literature. In silico analysis predicts that this variant has a deleterious effect. This gene is constrained for missense variation. According to the currently available evidence, this variant has been classified as uncertain significance (PM2_P, PP2, PP3).

Labcorp Genetics (formerly Invitae), Labcorp
Classification: Uncertain significance for Catecholaminergic polymorphic ventricular tachycardia 1. Last evaluated: 2025-02-12. Review status: criteria provided, single submitter. Criteria: Invitae Variant Classification Sherloc (09022015). Collection method: clinical testing. Allele origin: germline.
Comment: This sequence change replaces arginine, which is basic and polar, with glutamine, which is neutral and polar, at codon 332 of the RYR2 protein (p.Arg332Gln). This variant is not present in population databases (gnomAD no frequency). This missense change has been observed in individual(s) with sudden arrhythmic death syndrome and/or suspected catecholaminergic polymorphic ventricular tachycardia (PMID: 28449774, 31112425). ClinVar contains an entry for this variant (Variation ID: 1043236). Invitae Evidence Modeling of protein sequence and biophysical properties (such as structural, functional, and spatial information, amino acid conservation, physicochemical variation, residue mobility, and thermodynamic stability) has been performed for this missense variant. However, the output from this modeling did not meet the statistical confidence thresholds required to predict the impact of this variant on RYR2 protein function. In summary, the available evidence is currently insufficient to determine the role of this variant in disease. Therefore, it has been classified as a Variant of Uncertain Significance.

Color Diagnostics, LLC DBA Color Health
Classification: Uncertain significance for Cardiomyopathy. Last evaluated: 2024-11-25. Review status: criteria provided, single submitter. Criteria: ACMG Guidelines, 2015. Collection method: clinical testing. Allele origin: germline.
Comment: This missense variant replaces arginine with glutamine at codon 332 of the RYR2 protein. Computational prediction suggests that this variant may have a deleterious impact on protein structure and function. To our knowledge, functional studies have not been reported for this variant. This variant has been reported in individuals suspected to be affected with catecholaminergic polymorphic ventricular tachycardia (PMID: 29453246, 31112425) and in an individual affected with sudden arrhythmic death (PMID: 28449774). This variant has been identified in 1/31390 chromosomes in the general population by the Genome Aggregation Database (gnomAD). The available evidence is insufficient to determine the role of this variant in disease conclusively. Therefore, this variant is classified as a Variant of Uncertain Significance.

3billion
Classification: Uncertain significance for Ventricular arrhythmias due to cardiac ryanodine receptor calcium release deficiency syndrome. Last evaluated: 2024-09-09. Review status: criteria provided, single submitter. Criteria: ACMG Guidelines, 2015. Collection method: clinical testing. Allele origin: germline. Affected: yes.
Comment: The variant is observed at an extremely low frequency in the gnomAD v4.0.0 dataset (total allele frequency: <0.001%). Predicted Consequence/Location: Missense variant. Missense changes are a common disease-causing mechanism. In silico tool predictions suggest damaging effect of the variant on gene or gene product [REVEL: 0.72 (>=0.6, sensitivity 0.68 and specificity 0.92); 3Cnet: 0.00 (>=0.6, sensitivity 0.72 and precision 0.9)]. The same nucleotide change resulting in the same amino acid change has been previously reported to be associated with RYR2 related disorder (PMID: 28449774). A different missense change at the same codon (p.Arg332Trp) has been reported to be associated with RYR2 related disorder (PMID: 19926015). However the evidence of pathogenicity is insufficient at this time. Therefore, this variant is classified as VUS according to the recommendation of ACMG/AMP guideline.

All of Us Research Program, National Institutes of Health
Classification: Uncertain significance for Catecholaminergic polymorphic ventricular tachycardia. Last evaluated: 2023-03-28. Review status: criteria provided, single submitter. Criteria: ACMG Guidelines, 2015. Collection method: clinical testing. Allele origin: germline. Inheritance: Autosomal dominant inheritance. Observed: 1 variant allele, 1 heterozygote.
Comment: This study involves interpretation of variants in research participants for the purpose of population health screening. Participant phenotype was not available at the time of variant classification. Additional details can be found in publication PMID: 35346344, PMCID: PMC8962531

Fulgent Genetics
Classification: Uncertain significance for Ventricular arrhythmias due to cardiac ryanodine receptor calcium release deficiency syndrome; Catecholaminergic polymorphic ventricular tachycardia 1. Last evaluated: 2021-10-09. Review status: criteria provided, single submitter. Criteria: ACMG Guidelines, 2015. Collection method: clinical testing. Allele origin: unknown.

Literature cited by the submitters: PubMed 28449774 (cited by 3 submitters); PubMed 31112425 (cited by Labcorp Genetics (formerly Invitae), Labcorp and Color Diagnostics, LLC DBA Color Health); PubMed 29453246 (cited by Color Diagnostics, LLC DBA Color Health); PubMed 19926015 (cited by 3billion).

NM_001035.3(RYR2):c.995G>A (p.Arg332Gln)

Gene: RYR2 (ryanodine receptor 2; plus strand). Cytogenetic location: 1q43.
Variant type: single nucleotide variant.
Coding change: c.995G>A on transcript NM_001035.3 (MANE Select); coding-DNA position 995, G replaced by A.
Protein change: p.Arg332Gln; replaces arginine 332 with glutamine.
Molecular consequence: missense variant.
Genome position (GRCh38, 1-based): chr1:237,423,238, G>A. VCF-style: chr1-237423238-G-A. GRCh37 (hg19) VCF-style: chr1-237586538-G-A.
Other names: short protein forms R332Q.
Identifiers: ClinVar variation 1043236 (VCV001043236.15), dbSNP rs1558793119, ClinGen allele CA345385617.